The following is an entry in ClinVar:

NM_005502.4(ABCA1):c.1091C>A (p.Ser364Tyr)

Gene: ABCA1 (ATP binding cassette subfamily A member 1; minus strand). Cytogenetic location: 9q31.1.
Variant type: single nucleotide variant.
Coding change: c.1091C>A on transcript NM_005502.4 (MANE Select); coding-DNA position 1091, C replaced by A.
Protein change: p.Ser364Tyr; replaces serine 364 with tyrosine.
Molecular consequence: missense variant.
Genome position (GRCh38, 1-based): chr9:104,837,531, G>T on the plus strand (C>A on the coding strand, the complement: ABCA1 is on the minus strand). VCF-style: chr9-104837531-G-T. GRCh37 (hg19) VCF-style: chr9-107599812-G-T.
Other names: short protein forms S364Y.
Identifiers: ClinVar variation 2097833 (VCV002097833.6), dbSNP rs775035559, ClinGen allele CA374328187.

ClinVar aggregate classification (germline): Uncertain significance. Review status: criteria provided, multiple submitters, no conflicts (2 of 4 stars). 2 submissions from 2 submitters: Uncertain significance (2). Last evaluated 2026-03-12.

Conditions:
Cardiovascular phenotype. Identifiers: MedGen CN230736.

gnomAD v4.1: 1 of 1,614,146 alleles (0.000062%); no homozygotes.

Submissions (2):

Ambry Genetics
Classification: Uncertain significance for Cardiovascular phenotype. Last evaluated: 2026-03-12. Review status: criteria provided, single submitter. Criteria: Ambry Variant Classification Scheme 2023. Collection method: clinical testing. Allele origin: germline.
Comment: The p.S364Y variant (also known as c.1091C>A), located in coding exon 9 of the ABCA1 gene, results from a C to A substitution at nucleotide position 1091. The serine at codon 364 is replaced by tyrosine, an amino acid with dissimilar properties. This amino acid position is conserved. In addition, this alteration is predicted to be deleterious by in silico analysis. Based on the available evidence, the clinical significance of this variant remains unclear.

Labcorp Genetics (formerly Invitae), Labcorp
Classification: Uncertain significance. Last evaluated: 2022-05-07. Review status: criteria provided, single submitter. Criteria: Invitae Variant Classification Sherloc (09022015). Collection method: clinical testing. Allele origin: germline.
Comment: In summary, the available evidence is currently insufficient to determine the role of this variant in disease. Therefore, it has been classified as a Variant of Uncertain Significance. Algorithms developed to predict the effect of missense changes on protein structure and function are either unavailable or do not agree on the potential impact of this missense change (SIFT: "Tolerated"; PolyPhen-2: "Possibly Damaging"; Align-GVGD: "Class C0"). This variant has not been reported in the literature in individuals affected with ABCA1-related conditions. This variant is not present in population databases (gnomAD no frequency). This sequence change replaces serine, which is neutral and polar, with tyrosine, which is neutral and polar, at codon 364 of the ABCA1 protein (p.Ser364Tyr).